The following is an entry in ClinVar:

ClinVar aggregate classification (germline): Uncertain significance (1 of 4 stars; one submission).

Submission:

CeGaT Center for Human Genetics Tuebingen
Classification: Uncertain significance. Last evaluated: 2023-05-01. Review status: criteria provided, single submitter. Criteria: CeGaT Center For Human Genetics Tuebingen Variant Classification Criteria Version 2. Collection method: clinical testing. Allele origin: germline. Affected: yes. Observed: 2 variant alleles.
Comment: ZNF142: PM2, BP4

NM_001379659.1(ZNF142):c.3346C>G (p.Gln1116Glu)

Gene: ZNF142 (zinc finger protein 142; minus strand). Cytogenetic location: 2q35.
Variant type: single nucleotide variant.
Coding change: c.3346C>G on transcript NM_001379659.1 (MANE Select); coding-DNA position 3346, C replaced by G.
Protein change: p.Gln1116Glu; replaces glutamine 1116 with glutamic acid.
Molecular consequence: missense variant.
Genome position (GRCh38, 1-based): chr2:218,643,770, G>C on the plus strand (C>G on the coding strand, the complement: ZNF142 is on the minus strand). VCF-style: chr2-218643770-G-C. GRCh37 (hg19) VCF-style: chr2-219508493-G-C.
Other names: c.2746C>G, p.Gln916Glu (NM_001366291.3, NM_001379662.1, NM_001105537.5); c.3346C>G, p.Gln1116Glu (NM_001379660.1, NM_001379661.1, NM_001366290.3); c.2257C>G, p.Gln753Glu (NM_001366287.3, NM_001366288.3, NM_001366289.3); short protein forms Q1116E, Q753E, Q916E.
Identifiers: ClinVar variation 2571119 (VCV002571119.27), dbSNP rs2469678927, ClinGen allele CA350591422.